The following is an entry in ClinVar:

ClinVar aggregate classification (germline): Conflicting classifications of pathogenicity. Review status: criteria provided, conflicting classifications (1 of 4 stars). 5 submissions from 5 submitters: Uncertain significance (4); Likely benign (1). Last evaluated 2024-05-24.

Conditions:
Cardiovascular phenotype. Identifiers: MedGen CN230736.
Arrhythmogenic cardiomyopathy with wooly hair and keratoderma. Also called: PALMOPLANTAR KERATODERMA WITH LEFT VENTRICULAR CARDIOMYOPATHY AND WOOLLY HAIR; Arrhythmogenic cardiomyopathy with woolly hair and keratoderma; Dilated cardiomyopathy with woolly hair and keratoderma; Carvajal syndrome. Identifiers: Orphanet 65282, MedGen C1854063, MONDO:0011581, OMIM 605676.
Arrhythmogenic right ventricular dysplasia 8 (ARVD8). Also called: ARRHYTHMOGENIC RIGHT VENTRICULAR DYSPLASIA, FAMILIAL, 8; ARRHYTHMOGENIC RIGHT VENTRICULAR CARDIOMYOPATHY 8; Arrhythmogenic Right Ventricular Dysplasia/Cardiomyopathy 8. Identifiers: MedGen C1843896, MONDO:0011831, OMIM 607450.
Cardiomyopathy (CMYO). Also called: Cardiomyopathies. Identifiers: Orphanet 167848, MedGen C0878544, MONDO:0004994, HP:0001638. Inheritance: Various modes of inheritance.

Allele frequency attached by ClinVar (database versions not stated): gnomAD exomes 0.00001; ExAC 0.00002.
gnomAD v4.1: 12 of 1,613,988 alleles (0.00074%); highest among the groups gnomAD compares: South Asian, 0.013%; no homozygotes.

Submissions (5):

Color Diagnostics, LLC DBA Color Health
Classification: Uncertain significance for Cardiomyopathy. Last evaluated: 2024-05-24. Review status: criteria provided, single submitter. Criteria: ACMG Guidelines, 2015. Collection method: clinical testing. Allele origin: germline.
Comment: This missense variant replaces threonine with alanine at codon 1115 of the DSP protein. Computational prediction suggests that this variant may not impact protein structure and function (internally defined REVEL score threshold <= 0.5, PMID: 27666373). To our knowledge, functional studies have not been reported for this variant. This variant has not been reported in individuals affected with DSP-related disorders in the literature. This variant has been identified in 2/250086 chromosomes in the general population by the Genome Aggregation Database (gnomAD). The available evidence is insufficient to determine the role of this variant in disease conclusively. Therefore, this variant is classified as a Variant of Uncertain Significance.

All of Us Research Program, National Institutes of Health
Classification: Uncertain significance for Arrhythmogenic cardiomyopathy with wooly hair and keratoderma. Last evaluated: 2023-05-30. Review status: criteria provided, single submitter. Criteria: ACMG Guidelines, 2015. Collection method: clinical testing. Allele origin: germline. Inheritance: Autosomal dominant inheritance. Observed: 2 variant alleles, 2 heterozygotes.
Comment: This missense variant replaces threonine with alanine at codon 1115 of the DSP protein. Computational prediction suggests that this variant may not impact protein structure and function (internally defined REVEL score threshold <= 0.5, PMID: 27666373). To our knowledge, functional studies have not been reported for this variant. This variant has not been reported in individuals affected with DSP-related disorders in the literature. This variant has been identified in 2/250086 chromosomes in the general population by the Genome Aggregation Database (gnomAD). The available evidence is insufficient to determine the role of this variant in disease conclusively. Therefore, this variant is classified as a Variant of Uncertain Significance.

This study involves interpretation of variants in research participants for the purpose of population health screening. Participant phenotype was not available at the time of variant classification. Additional details can be found in publication PMID: 35346344, PMCID: PMC8962531

Labcorp Genetics (formerly Invitae), Labcorp
Classification: Likely benign for Arrhythmogenic cardiomyopathy with wooly hair and keratoderma; Arrhythmogenic right ventricular dysplasia 8. Last evaluated: 2022-09-01. Review status: criteria provided, single submitter. Criteria: Invitae Variant Classification Sherloc (09022015). Collection method: clinical testing. Allele origin: germline.

GeneDx
Classification: Uncertain significance. Last evaluated: 2020-10-23. Review status: criteria provided, single submitter. Criteria: GeneDx Variant Classification Process June 2021. Collection method: clinical testing. Allele origin: germline. Affected: yes.
Comment: Has not been previously published as pathogenic or benign to our knowledge; Reported in ClinVar as a variant of uncertain significance (ClinVar Variant ID# 666097; Landrum et al., 2016); Not observed at a significant frequency in large population cohorts (Lek et al., 2016); In silico analysis supports that this missense variant does not alter protein structure/function

Ambry Genetics
Classification: Uncertain significance for Cardiovascular phenotype. Last evaluated: 2019-08-06. Review status: criteria provided, single submitter. Criteria: Ambry Variant Classification Scheme 2023. Collection method: clinical testing. Allele origin: germline.
Comment: The p.T1115A variant (also known as c.3343A>G), located in coding exon 23 of the DSP gene, results from an A to G substitution at nucleotide position 3343. The threonine at codon 1115 is replaced by alanine, an amino acid with similar properties. This amino acid position is not well conserved in available vertebrate species. In addition, the in silico prediction for this alteration is inconclusive. Since supporting evidence is limited at this time, the clinical significance of this alteration remains unclear.

NM_004415.4(DSP):c.3343A>G (p.Thr1115Ala)

Gene: DSP (desmoplakin; plus strand). Cytogenetic location: 6p24.3.
Variant type: single nucleotide variant.
Coding change: c.3343A>G on transcript NM_004415.4 (MANE Select); coding-DNA position 3343, A replaced by G.
Protein change: p.Thr1115Ala; replaces threonine 1115 with alanine.
Molecular consequence: missense variant.
Genome position (GRCh38, 1-based): chr6:7,579,533, A>G. VCF-style: chr6-7579533-A-G. GRCh37 (hg19) VCF-style: chr6-7579766-A-G.
Other names: c.3343A>G, p.Thr1115Ala (NM_001008844.3, NM_001319034.2); c.3343A>G (LRG_423t1); short protein forms T1115A.
Identifiers: ClinVar variation 666097 (VCV000666097.17), dbSNP rs761524542, ClinGen allele CA037877.